The following is an entry in ClinVar:

NM_000051.4(ATM):c.10G>T (p.Val4Leu)

Gene: ATM (ATM serine/threonine kinase; plus strand). Cytogenetic location: 11q22.3.
Variant type: single nucleotide variant.
Coding change: c.10G>T on transcript NM_000051.4 (MANE Select); coding-DNA position 10, G replaced by T.
Protein change: p.Val4Leu; replaces valine 4 with leucine.
Molecular consequence: missense variant.
Genome position (GRCh38, 1-based): chr11:108,227,634, G>T. VCF-style: chr11-108227634-G-T. GRCh37 (hg19) VCF-style: chr11-108098361-G-T.
Other names: c.10G>T, p.Val4Leu (NM_001351834.2, NM_001351835.2, NM_001351836.2); short protein forms V4L.
Identifiers: ClinVar variation 481224 (VCV000481224.8), dbSNP rs1438588853, ClinGen allele CA382518942.

ClinVar aggregate classification (germline): Uncertain significance. Review status: criteria provided, multiple submitters, no conflicts (2 of 4 stars). 2 submissions from 2 submitters: Uncertain significance (2). Last evaluated 2025-01-12.

Conditions:
Hereditary cancer-predisposing syndrome. Also called: Hereditary neoplastic syndrome; Neoplastic Syndromes, Hereditary; Tumor predisposition; Hereditary Cancer Syndrome. Identifiers: Orphanet 140162, MedGen C0027672, MeSH D009386, MONDO:0015356.
Ataxia-telangiectasia syndrome (AT). Also called: LOUIS-BAR SYNDROME; Cerebello-oculocutaneous telangiectasia; Immunodeficiency with ataxia telangiectasia; AT, COMPLEMENTATION GROUP C; Ataxia-telangiectasia, complementation group D; ATAXIA-TELANGIECTASIA, COMPLEMENTATION GROUP A. Identifiers: Orphanet 100, MedGen C0004135, MONDO:0008840, OMIM 208900.

Allele frequency attached by ClinVar (database versions not stated): gnomAD exomes below 0.00001.
gnomAD v4.1: 2 of 1,613,478 alleles (0.00012%); highest among the groups gnomAD compares: Non-Finnish European, 0.00017%; no homozygotes.

Submissions (2):

Labcorp Genetics (formerly Invitae), Labcorp
Classification: Uncertain significance for Ataxia-telangiectasia syndrome. Last evaluated: 2025-01-12. Review status: criteria provided, single submitter. Criteria: Invitae Variant Classification Sherloc (09022015). Collection method: clinical testing. Allele origin: germline.
Comment: This sequence change replaces valine, which is neutral and non-polar, with leucine, which is neutral and non-polar, at codon 4 of the ATM protein (p.Val4Leu). This variant is not present in population databases (gnomAD no frequency). This variant has not been reported in the literature in individuals affected with ATM-related conditions. ClinVar contains an entry for this variant (Variation ID: 481224). Invitae Evidence Modeling of protein sequence and biophysical properties (such as structural, functional, and spatial information, amino acid conservation, physicochemical variation, residue mobility, and thermodynamic stability) indicates that this missense variant is not expected to disrupt ATM protein function with a negative predictive value of 95%. In summary, the available evidence is currently insufficient to determine the role of this variant in disease. Therefore, it has been classified as a Variant of Uncertain Significance.

Ambry Genetics
Classification: Uncertain significance for Hereditary cancer-predisposing syndrome. Last evaluated: 2016-03-03. Review status: criteria provided, single submitter. Criteria: Ambry Variant Classification Scheme 2023. Collection method: clinical testing. Allele origin: germline.
Comment: The p.V4L variant (also known as c.10G>T), located in coding exon 1 of the ATM gene, results from a G to T substitution at nucleotide position 10. The valine at codon 4 is replaced by leucine, an amino acid with highly similar properties. This variant was not reported in population based cohorts in the following databases: Database of Single Nucleotide Polymorphisms (dbSNP), NHLBI Exome Sequencing Project (ESP), and 1000 Genomes Project. In the ESP, this variant was not observed in 6498 samples (12996 alleles) with coverage at this position. To date, this alteration has been detected with an allele frequency of approximately 0.001% (greater than 125000 alleles tested) in our clinical cohort. This amino acid position is poorly conserved in available vertebrate species. In addition, this alteration is predicted to be tolerated by in silico analysis. Since supporting evidence is limited at this time, the clinical significance of this alteration remains unclear.